The following is an entry in ClinVar:

NM_021961.6(TEAD1):c.1167+6G>A

Gene: TEAD1 (TEA domain transcription factor 1; plus strand). Cytogenetic location: 11p15.3.
Variant type: single nucleotide variant.
Coding change: c.1167+6G>A on transcript NM_021961.6 (MANE Select); 6 bases into the intron after coding-DNA position 1167, G replaced by A.
Molecular consequence: intron variant.
Genome position (GRCh38, 1-based): chr11:12,930,332, G>A. VCF-style: chr11-12930332-G-A. GRCh37 (hg19) VCF-style: chr11-12951879-G-A.
Identifiers: ClinVar variation 4699182 (VCV004699182.1).

ClinVar aggregate classification (germline): Uncertain significance (1 of 4 stars; one submission).

gnomAD v4.1: 4 of 1,613,962 alleles (0.00025%); highest among the groups gnomAD compares: Non-Finnish European, 0.00034%; no homozygotes.

Submission:

Labcorp Genetics (formerly Invitae), Labcorp
Classification: Uncertain significance. Last evaluated: 2025-05-12. Review status: criteria provided, single submitter. Criteria: Invitae Variant Classification Sherloc (09022015). Collection method: clinical testing. Allele origin: germline.
Comment: This sequence change falls in intron 12 of the TEAD1 gene. It does not directly change the encoded amino acid sequence of the TEAD1 protein. It affects a nucleotide within the consensus splice site. This variant is not present in population databases (gnomAD no frequency). This variant has not been reported in the literature in individuals affected with TEAD1-related conditions. Variants that disrupt the consensus splice site are a relatively common cause of aberrant splicing (PMID: 17576681, 9536098). Algorithms developed to predict the effect of sequence changes on RNA splicing suggest that this variant is not likely to affect RNA splicing. In summary, the available evidence is currently insufficient to determine the role of this variant in disease. Therefore, it has been classified as a Variant of Uncertain Significance.

Literature cited by the submitters: PubMed 17576681; PubMed 9536098.